The following is an entry in ClinVar:

NM_000213.5(ITGB4):c.4932A>G (p.Pro1644=)

Genes: GALK1 (galactokinase 1; minus strand), ITGB4 (integrin subunit beta 4; plus strand). Cytogenetic location: 17q25.1.
Variant type: single nucleotide variant.
Coding change: c.4932A>G on transcript NM_000213.5 (MANE Select); coding-DNA position 4932, A replaced by G.
Protein change: p.Pro1644=; no amino-acid change (proline 1644 retained).
Molecular consequence: synonymous variant. On other transcripts: intron variant (1).
Genome position (GRCh38, 1-based): chr17:75,756,738, A>G. VCF-style: chr17-75756738-A-G. GRCh37 (hg19) VCF-style: chr17-73752819-A-G.
Other names: c.4932A>G (NM_000213.4); c.4881A>G, p.Pro1627= (NM_001005619.2); c.4722A>G, p.Pro1574= (NM_001005731.3, NM_001321123.2); c.4572A>G, p.Pro1524= (NM_001438834.1); c.*22+1296T>C (NM_001381985.1).
Identifiers: ClinVar variation 719110 (VCV000719110.36), dbSNP rs368991974, ClinGen allele CA8770376.

ClinVar aggregate classification (germline): Likely benign. Review status: criteria provided, multiple submitters, no conflicts (2 of 4 stars). 8 submissions from 8 submitters: Likely benign (5). 3 of the submissions do not count toward it. Last evaluated 2025-12-26.

Conditions:
Junctional epidermolysis bullosa with pyloric atresia. Also called: Epidermolysis bullosa, junctional, with pyloric atresia and aplasia cutis congenita; Epidermolysis bullosa junctionalis with pyloric atresia; APLASIA CUTIS CONGENITA WITH GASTROINTESTINAL ATRESIA; CARMI SYNDROME; EB-PA-ACC; EPIDERMOLYSIS BULLOSA, JUNCTIONAL 5B, WITH PYLORIC ATRESIA. Identifiers: Orphanet 79403, MedGen C5676875, MONDO:0009183, OMIM 226730.
Epidermolysis bullosa, junctional 5A, intermediate. Also called: EPIDERMOLYSIS BULLOSA, JUNCTIONAL 5A, GENERALIZED INTERMEDIATE; EPIDERMOLYSIS BULLOSA, JUNCTIONAL 5A, NON-HERLITZ TYPE. Identifiers: MedGen C5676956, MONDO:0030768, OMIM 619816.
ITGB4-related disorder. Also called: ITGB4-related condition.

Allele frequency attached by ClinVar (database versions not stated): gnomAD 0.00003 and 0.00004; gnomAD exomes 0.00003 and 0.00001; TOPMed 0.00002; ExAC 0.00003.
gnomAD v4.1: 87 of 1,613,022 alleles (0.0054%); highest among the groups gnomAD compares: East Asian, 0.031%; 4 homozygotes.

Submissions (8):

Labcorp Genetics (formerly Invitae), Labcorp
Classification: Likely benign. Last evaluated: 2025-12-26. Review status: criteria provided, single submitter. Criteria: Invitae Variant Classification Sherloc (09022015). Collection method: clinical testing. Allele origin: germline.

Blueprint Genetics
Classification: Likely benign. Last evaluated: 2024-11-01. Review status: criteria provided, single submitter. Criteria: ACMG Guidelines, 2015. Collection method: clinical testing. Allele origin: germline.

CeGaT Center for Human Genetics Tuebingen
Classification: Likely benign. Last evaluated: 2024-03-01. Review status: criteria provided, single submitter. Criteria: CeGaT Center For Human Genetics Tuebingen Variant Classification Criteria Version 2. Collection method: clinical testing. Allele origin: germline. Affected: yes. Observed: 1 variant allele.
Comment: ITGB4: BP4, BP7

Fulgent Genetics
Classification: Likely benign for Junctional epidermolysis bullosa with pyloric atresia; Epidermolysis bullosa, junctional 5A, intermediate. Last evaluated: 2021-09-13. Review status: criteria provided, single submitter. Criteria: ACMG Guidelines, 2015. Collection method: clinical testing. Allele origin: unknown.

GeneDx
Classification: Likely benign. Last evaluated: 2020-07-17. Review status: criteria provided, single submitter. Criteria: GeneDx Variant Classification Process June 2021. Collection method: clinical testing. Allele origin: germline. Affected: yes.

PreventionGenetics, part of Exact Sciences
Classification: Likely benign for ITGB4-related condition. Last evaluated: 2020-03-23. Review status: no assertion criteria provided. Collection method: clinical testing. Allele origin: germline. Not counted in ClinVar's aggregate classification.
Comment: This variant is classified as likely benign based on ACMG/AMP sequence variant interpretation guidelines (Richards et al. 2015 PMID: 25741868, with internal and published modifications).

Clinical Genetics DNA and cytogenetics Diagnostics Lab, Erasmus MC, Erasmus Medical Center
Classification: Likely benign. Review status: no assertion criteria provided. Collection method: clinical testing. Allele origin: germline. Affected: yes. Study: VKGL Data-share Consensus. Not counted in ClinVar's aggregate classification.

Genome Diagnostics Laboratory, University Medical Center Utrecht
Classification: Likely benign. Review status: no assertion criteria provided. Collection method: clinical testing. Allele origin: germline. Affected: yes. Study: VKGL Data-share Consensus. Not counted in ClinVar's aggregate classification.